The following is an entry in ClinVar:

NM_000321.3(RB1):c.895T>C (p.Phe299Leu)

Gene: RB1 (RB transcriptional corepressor 1; plus strand). Cytogenetic location: 13q14.2.
Variant type: single nucleotide variant.
Coding change: c.895T>C on transcript NM_000321.3 (MANE Select); coding-DNA position 895, T replaced by C.
Protein change: p.Phe299Leu; replaces phenylalanine 299 with leucine.
Molecular consequence: missense variant.
Genome position (GRCh38, 1-based): chr13:48,364,927, T>C. VCF-style: chr13-48364927-T-C. GRCh37 (hg19) VCF-style: chr13-48939063-T-C.
Other names: c.895T>C, p.Phe299Leu (NM_001407165.1, NM_001407166.1); short protein forms F299L.
Identifiers: ClinVar variation 3387562 (VCV003387562.2).
Genomic context (GRCh38, chr13:48,364,927, plus strand): 5'-ATCATGTTGTAACTTCATCTTTTTCAGGTGAAAAATGTTTATTTCAAAAATTTTATACCT[T>C]TTATGAATTCTCTTGGACTTGTAACATCTAATGGACTTCCAGAGGTAATCTGAAAGGAAA-3'
Protein context (NP_000312.2, residues 289-309): KNVYFKNFIP[Phe299Leu]MNSLGLVTSN

ClinVar aggregate classification (germline): Uncertain significance. Review status: criteria provided, multiple submitters, no conflicts (2 of 4 stars). 2 submissions from 2 submitters: Uncertain significance (2). Last evaluated 2025-01-17.

Conditions:
Retinoblastoma (RB1). Also called: RETINOBLASTOMA, SOMATIC. Identifiers: Orphanet 790, MedGen C0035335, MeSH D012175, MONDO:0008380, OMIM 180200, HP:0009919. Disease mechanism: loss of function. Inheritance: Both sporadic and heritable forms are tested..
Hereditary cancer-predisposing syndrome. Also called: Neoplastic Syndromes, Hereditary; Hereditary Cancer Syndrome; Tumor predisposition; Hereditary neoplastic syndrome. Identifiers: Orphanet 140162, MedGen C0027672, MeSH D009386, MONDO:0015356.

Submissions (2):

Ambry Genetics
Classification: Uncertain significance for Hereditary cancer-predisposing syndrome. Last evaluated: 2025-01-17. Review status: criteria provided, single submitter. Criteria: Ambry Variant Classification Scheme 2023. Collection method: clinical testing. Allele origin: germline.
Comment: The p.F299L variant (also known as c.895T>C), located in coding exon 9 of the RB1 gene, results from a T to C substitution at nucleotide position 895. The phenylalanine at codon 299 is replaced by leucine, an amino acid with highly similar properties. This amino acid position is highly conserved in available vertebrate species. In addition, the in silico prediction for this alteration is inconclusive. Based on the available evidence, the clinical significance of this variant remains unclear.

All of Us Research Program, National Institutes of Health
Classification: Uncertain significance for Retinoblastoma. Last evaluated: 2024-08-13. Review status: criteria provided, single submitter. Criteria: ACMG Guidelines, 2015. Collection method: clinical testing. Allele origin: germline. Inheritance: Autosomal dominant inheritance. Observed: 1 variant allele, 1 heterozygote.
Comment: This missense variant replaces phenylalanine with leucine at codon 299 of the RB1 protein. Computational prediction suggests that this variant may have deleterious impact on protein structure and function (internally defined REVEL score threshold >= 0.7, PMID: 27666373). To our knowledge, functional studies have not been reported for this variant. This variant has not been reported in individuals affected with RB1-related disorders in the literature. This variant has not been identified in the general population by the Genome Aggregation Database (gnomAD). The available evidence is insufficient to determine the role of this variant in disease conclusively. Therefore, this variant is classified as a Variant of Uncertain Significance.

This study involves interpretation of variants in research participants for the purpose of population health screening. Participant phenotype was not available at the time of variant classification. Additional details can be found in publication PMID: 35346344, PMCID: PMC8962531